The following is an entry in ClinVar:

NM_001271.4(CHD2):c.365T>G (p.Phe122Cys)

Gene: CHD2 (chromodomain helicase DNA binding protein 2; plus strand). Cytogenetic location: 15q26.1.
Variant type: single nucleotide variant.
Coding change: c.365T>G on transcript NM_001271.4 (MANE Select); coding-DNA position 365, T replaced by G.
Protein change: p.Phe122Cys; replaces phenylalanine 122 with cysteine.
Molecular consequence: missense variant.
Genome position (GRCh38, 1-based): chr15:92,927,314, T>G. VCF-style: chr15-92927314-T-G. GRCh37 (hg19) VCF-style: chr15-93470544-T-G.
Other names: c.365T>G, p.Phe122Cys (NM_001042572.3); short protein forms F122C.
Identifiers: ClinVar variation 5040427 (VCV005040427.1).

ClinVar aggregate classification (germline): Uncertain significance (1 of 4 stars; one submission).

gnomAD v4.1: 1 of 1,613,484 alleles (0.000062%); no homozygotes.

Submission:

CeGaT Center for Human Genetics Tuebingen
Classification: Uncertain significance. Last evaluated: 2026-08-01. Review status: criteria provided, single submitter. Criteria: CeGaT Center For Human Genetics Tuebingen Variant Classification Criteria Version 2. Collection method: clinical testing. Allele origin: germline. Affected: yes. Observed: 1 variant allele.
Comment: CHD2: PM2, PP2, PP3